The following is an entry in ClinVar:

ClinVar aggregate classification (germline): Conflicting classifications of pathogenicity. Review status: criteria provided, conflicting classifications (1 of 4 stars). 2 submissions from 2 submitters: Uncertain significance (1); Benign (1). Last evaluated 2025-12-15.

Conditions:
KMT2D-related disorder. Also called: KMT2D-Related Disorders.
Kabuki syndrome. Also called: Kabuki make-up syndrome; NIIKAWA-KUROKI SYNDROME. Identifiers: Orphanet 2322, MedGen C0796004, MONDO:0016512.

Allele frequency attached by ClinVar (database versions not stated): ExAC 0.00002; TOPMed 0.00003.
gnomAD v4.1: 47 of 1,613,838 alleles (0.0029%); highest among the groups gnomAD compares: Non-Finnish European, 0.004%; no homozygotes.

Submissions (2):

Labcorp Genetics (formerly Invitae), Labcorp
Classification: Benign for Kabuki syndrome. Last evaluated: 2025-12-15. Review status: criteria provided, single submitter. Criteria: Invitae Variant Classification Sherloc (09022015). Collection method: clinical testing. Allele origin: germline.

PreventionGenetics, part of Exact Sciences
Classification: Uncertain significance for KMT2D-related condition. Last evaluated: 2025-12-02. Review status: criteria provided, single submitter. Criteria: ACMG Guidelines, 2015. Collection method: clinical testing. Allele origin: germline.
Comment: The KMT2D c.1076G>A variant is predicted to result in the amino acid substitution p.Arg359His. To our knowledge, this variant has not been reported in the literature. This variant is reported in 0.0018% of alleles in individuals of European (Non-Finnish) descent in gnomAD. At this time, the clinical significance of this variant is uncertain due to the absence of conclusive functional and genetic evidence.

NM_003482.4(KMT2D):c.1076G>A (p.Arg359His)

Gene: KMT2D (lysine methyltransferase 2D; minus strand). Cytogenetic location: 12q13.12.
Variant type: single nucleotide variant.
Coding change: c.1076G>A on transcript NM_003482.4 (MANE Select); coding-DNA position 1076, G replaced by A.
Protein change: p.Arg359His; replaces arginine 359 with histidine.
Molecular consequence: missense variant.
Genome position (GRCh38, 1-based): chr12:49,052,951, C>T on the plus strand (G>A on the coding strand, the complement: KMT2D is on the minus strand). VCF-style: chr12-49052951-C-T. GRCh37 (hg19) VCF-style: chr12-49446734-C-T.
Other names: short protein forms R359H.
Identifiers: ClinVar variation 1365009 (VCV001365009.7), dbSNP rs779668384, ClinGen allele CA6548585.